The following is an entry in ClinVar:

NM_004370.6(COL12A1):c.1769C>A (p.Pro590His)

Gene: COL12A1 (collagen type XII alpha 1 chain; minus strand). Cytogenetic location: 6q13.
Variant type: single nucleotide variant.
Coding change: c.1769C>A on transcript NM_004370.6 (MANE Select); coding-DNA position 1769, C replaced by A.
Protein change: p.Pro590His; replaces proline 590 with histidine.
Molecular consequence: missense variant. On other transcripts: intron variant (2).
Genome position (GRCh38, 1-based): chr6:75,183,172, G>T on the plus strand (C>A on the coding strand, the complement: COL12A1 is on the minus strand). VCF-style: chr6-75183172-G-T. GRCh37 (hg19) VCF-style: chr6-75892888-G-T.
Other names: c.1769C>A, p.Pro590His (NM_001424113.1, NM_001424114.1, NM_001424115.1); c.73+19548C>A (NM_001424116.1, NM_080645.3); short protein forms P590H.
Identifiers: ClinVar variation 3361297 (VCV003361297.2).

ClinVar aggregate classification (germline): Uncertain significance. Review status: criteria provided, multiple submitters, no conflicts (2 of 4 stars). 2 submissions from 2 submitters: Uncertain significance (2). Last evaluated 2025-08-29.

Conditions:
Bethlem myopathy 2 (BTHLM2). Identifiers: Orphanet 536516, Orphanet 610, MedGen C4225313, MONDO:0034022, OMIM 616471.
Ullrich congenital muscular dystrophy 2 (UCMD2). Identifiers: Orphanet 75840, MedGen C4225314, MONDO:0014654, OMIM 616470.

Submissions (2):

Labcorp Genetics (formerly Invitae), Labcorp
Classification: Uncertain significance for Bethlem myopathy 2; Ullrich congenital muscular dystrophy 2. Last evaluated: 2025-08-29. Review status: criteria provided, single submitter. Criteria: Invitae Variant Classification Sherloc (09022015). Collection method: clinical testing. Allele origin: germline.
Comment: This sequence change replaces proline, which is neutral and non-polar, with histidine, which is basic and polar, at codon 590 of the COL12A1 protein (p.Pro590His). This variant is not present in population databases (gnomAD no frequency). This variant has not been reported in the literature in individuals affected with COL12A1-related conditions. ClinVar contains an entry for this variant (Variation ID: 3361297). Invitae Evidence Modeling of protein sequence and biophysical properties (such as structural, functional, and spatial information, amino acid conservation, physicochemical variation, residue mobility, and thermodynamic stability) indicates that this missense variant is not expected to disrupt COL12A1 protein function with a negative predictive value of 80%. In summary, the available evidence is currently insufficient to determine the role of this variant in disease. Therefore, it has been classified as a Variant of Uncertain Significance.

GeneDx
Classification: Uncertain significance. Last evaluated: 2023-07-19. Review status: criteria provided, single submitter. Criteria: GeneDx Variant Classification Process June 2021. Collection method: clinical testing. Allele origin: germline. Affected: yes.
Comment: Not observed at significant frequency in large population cohorts (gnomAD); In silico analysis supports that this missense variant does not alter protein structure/function; Has not been previously published as pathogenic or benign to our knowledge